The following is an entry in ClinVar:

ClinVar aggregate classification (germline): Uncertain significance (1 of 4 stars; one submission).

Allele frequency attached by ClinVar (database versions not stated): TOPMed 0.00002.

Submission:

Labcorp Genetics (formerly Invitae), Labcorp
Classification: Uncertain significance. Last evaluated: 2023-08-04. Review status: criteria provided, single submitter. Criteria: Invitae Variant Classification Sherloc (09022015). Collection method: clinical testing. Allele origin: germline.
Comment: This sequence change replaces alanine, which is neutral and non-polar, with proline, which is neutral and non-polar, at codon 1265 of the LAMC3 protein (p.Ala1265Pro). This variant is not present in population databases (gnomAD no frequency). This variant has not been reported in the literature in individuals affected with LAMC3-related conditions. ClinVar contains an entry for this variant (Variation ID: 2119888). An algorithm developed to predict the effect of missense changes on protein structure and function (PolyPhen-2) suggests that this variant is likely to be tolerated. In summary, the available evidence is currently insufficient to determine the role of this variant in disease. Therefore, it has been classified as a Variant of Uncertain Significance.

NM_006059.4(LAMC3):c.3793G>C (p.Ala1265Pro)

Gene: LAMC3 (laminin subunit gamma 3; plus strand). Cytogenetic location: 9q34.12.
Variant type: single nucleotide variant.
Coding change: c.3793G>C on transcript NM_006059.4 (MANE Select); coding-DNA position 3793, G replaced by C.
Protein change: p.Ala1265Pro; replaces alanine 1265 with proline.
Molecular consequence: missense variant.
Genome position (GRCh38, 1-based): chr9:131,079,164, G>C. VCF-style: chr9-131079164-G-C. GRCh37 (hg19) VCF-style: chr9-133954551-G-C.
Other names: short protein forms A1265P.
Identifiers: ClinVar variation 2119888 (VCV002119888.4), dbSNP rs752821098, ClinGen allele CA375262592.